The following is an entry in ClinVar:

ClinVar aggregate classification (germline): Uncertain significance (1 of 4 stars; one submission).

Conditions:
Ehlers-Danlos syndrome, kyphoscoliotic type 1 (EDSKSCL1). Also called: PLOD1-Related Kyphoscoliotic Ehlers-Danlos Syndrome; EHLERS-DANLOS SYNDROME, TYPE VIA; EHLERS-DANLOS SYNDROME, OCULAR-SCOLIOTIC TYPE; Ehlers-Danlos syndrome, hydroxylysine-deficient. Identifiers: Orphanet 1900, MedGen C0268342, MONDO:0016002, OMIM 225400. Disease mechanism: loss of function.

gnomAD v4.1: 1 of 1,613,124 alleles (0.000062%); highest among the groups gnomAD compares: Admixed American, 0.0017%; no homozygotes.

Submission:

Labcorp Genetics (formerly Invitae), Labcorp
Classification: Uncertain significance for Ehlers-Danlos syndrome, kyphoscoliotic type 1. Last evaluated: 2022-04-01. Review status: criteria provided, single submitter. Criteria: Invitae Variant Classification Sherloc (09022015). Collection method: clinical testing. Allele origin: germline.
Comment: In summary, the available evidence is currently insufficient to determine the role of this variant in disease. Therefore, it has been classified as a Variant of Uncertain Significance. Algorithms developed to predict the effect of missense changes on protein structure and function are either unavailable or do not agree on the potential impact of this missense change (SIFT: "Deleterious"; PolyPhen-2: "Probably Damaging"; Align-GVGD: "Class C0"). This variant has not been reported in the literature in individuals affected with PLOD1-related conditions. This variant is not present in population databases (gnomAD no frequency). This sequence change replaces aspartic acid, which is acidic and polar, with histidine, which is basic and polar, at codon 586 of the PLOD1 protein (p.Asp586His).

NM_000302.4(PLOD1):c.1756G>C (p.Asp586His)

Gene: PLOD1 (procollagen-lysine,2-oxoglutarate 5-dioxygenase 1; plus strand). Cytogenetic location: 1p36.22.
Variant type: single nucleotide variant.
Coding change: c.1756G>C on transcript NM_000302.4 (MANE Select); coding-DNA position 1756, G replaced by C.
Protein change: p.Asp586His; replaces aspartic acid 586 with histidine.
Molecular consequence: missense variant.
Genome position (GRCh38, 1-based): chr1:11,970,670, G>C. VCF-style: chr1-11970670-G-C. GRCh37 (hg19) VCF-style: chr1-12030727-G-C.
Other names: c.1897G>C, p.Asp633His (NM_001316320.2); short protein forms D633H, D586H.
Identifiers: ClinVar variation 2120368 (VCV002120368.4), dbSNP rs2522874611, ClinGen allele CA338448840.